The following is an entry in ClinVar:

NM_001005337.3(PKP1):c.1917G>A (p.Ser639=)

Gene: PKP1 (plakophilin 1; plus strand). Cytogenetic location: 1q32.1.
Variant type: single nucleotide variant.
Coding change: c.1917G>A on transcript NM_001005337.3 (MANE Select); coding-DNA position 1917, G replaced by A.
Protein change: p.Ser639=; no amino-acid change (serine 639 retained).
Molecular consequence: synonymous variant.
Genome position (GRCh38, 1-based): chr1:201,325,023, G>A. VCF-style: chr1-201325023-G-A. GRCh37 (hg19) VCF-style: chr1-201294151-G-A.
Other names: c.1980G>A, p.Ser660= (NM_000299.4).
Identifiers: ClinVar variation 4981128 (VCV004981128.1).

ClinVar aggregate classification (germline): Likely benign (1 of 4 stars; one submission).

Conditions:
PKP1-related disorder. Also called: PKP1-related condition.

gnomAD v4.1: 31 of 1,613,740 alleles (0.0019%); highest among the groups gnomAD compares: African/African-American, 0.024%; no homozygotes.

Submission:

PreventionGenetics, part of Exact Sciences
Classification: Likely benign for PKP1-related condition. Last evaluated: 2025-08-05. Review status: criteria provided, single submitter. Criteria: ACMG Guidelines, 2015. Collection method: clinical testing. Allele origin: germline.
Comment: This variant is classified as likely benign based on ACMG/AMP sequence variant interpretation guidelines (Richards et al. 2015 PMID: 25741868, with internal and published modifications).